The following is an entry in ClinVar:

NC_000009.11:g.(?_916743)_(968139_?)dup

Gene: DMRT1 (doublesex and mab-3 related transcription factor 1; plus strand). Cytogenetic location: 9p24.3.
Variant type: Duplication.
Identifiers: ClinVar variation 3245367 (VCV003245367.1).

ClinVar aggregate classification (germline): Uncertain significance (1 of 4 stars; one submission).

Submission:

Labcorp Genetics (formerly Invitae), Labcorp
Classification: Uncertain significance. Last evaluated: 2023-06-10. Review status: criteria provided, single submitter. Criteria: Invitae Variant Classification Sherloc (09022015). Collection method: clinical testing. Allele origin: unknown.
Comment: In summary, the available evidence is currently insufficient to determine the role of this variant in disease. Therefore, it has been classified as a Variant of Uncertain Significance. This variant has not been reported in the literature in individuals affected with DMRT1-related conditions. This variant is a gross deletion of the genomic region encompassing exon(s) 4-5 of the DMRT1 gene, which includes the termination codon. This deletion extends beyond the assayed region for this gene and therefore may encompass additional genes. While this deletion is not anticipated to lead to nonsense mediated decay, it is expected to alter mRNA translation or result in a truncated protein product.